The following is an entry in ClinVar:

NM_006929.5(SKIC2):c.2795_2796dup (p.Leu933fs)

Gene: SKIC2 (SKI2 subunit of superkiller complex; plus strand). Cytogenetic location: 6p21.33.
Variant type: Duplication.
Coding change: c.2795_2796dup on transcript NM_006929.5 (MANE Select); coding-DNA positions 2795 to 2796, 2 bases duplicated (TG; older notation c.2795_2796dupTG).
Protein change: p.Leu933fs; shifts the reading frame from leucine 933.
Molecular consequence: frameshift variant.
Genome position (GRCh38, 1-based): chr6:31,968,019-31,968,020, TG duplicated; duplicating any 2 consecutive bases within chr6:31,968,018-31,968,020 gives the same sequence; the c. name uses the placement nearest the transcript's 3' end. VCF-style (leftmost placement, unchanged base first): chr6-31968017-G-GGT. GRCh37 (hg19) VCF-style: chr6-31935794-G-GGT.
Other names: short protein forms L933fs.
Identifiers: ClinVar variation 4695918 (VCV004695918.1).

ClinVar aggregate classification (germline): Pathogenic (1 of 4 stars; one submission).

Submission:

Labcorp Genetics (formerly Invitae), Labcorp
Classification: Pathogenic. Last evaluated: 2025-09-14. Review status: criteria provided, single submitter. Criteria: Invitae Variant Classification Sherloc (09022015). Collection method: clinical testing. Allele origin: germline.
Comment: This sequence change creates a premature translational stop signal (p.Leu933Cysfs*4) in the SKIV2L gene. It is expected to result in an absent or disrupted protein product. Loss-of-function variants in SKIV2L are known to be pathogenic (PMID: 22444670). This variant is not present in population databases (gnomAD no frequency). This variant has not been reported in the literature in individuals affected with SKIV2L-related conditions. Algorithms developed to predict the effect of sequence changes on RNA splicing suggest that this variant may disrupt the consensus splice site. For these reasons, this variant has been classified as Pathogenic.

Literature cited by the submitters: PubMed 22444670.